The following is an entry in ClinVar:

NM_001369.3(DNAH5):c.12220del (p.Ser4074fs)

Gene: DNAH5 (dynein axonemal heavy chain 5; minus strand). Cytogenetic location: 5p15.2.
Variant type: Deletion.
Coding change: c.12220del on transcript NM_001369.3 (MANE Select); coding-DNA position 12220, one base deleted (T; older notation c.12220delT).
Protein change: p.Ser4074fs; shifts the reading frame from serine 4074.
Molecular consequence: frameshift variant.
Genome position (GRCh38, 1-based): chr5:13,721,059, A deleted on the plus strand (T on the coding strand, the reverse complement: DNAH5 is on the minus strand). VCF-style (leftmost placement, unchanged base first): chr5-13721058-GA-G. GRCh37 (hg19) VCF-style: chr5-13721167-GA-G.
Other names: c.12220delT (NM_001369.2); short protein forms S4074fs.
Identifiers: ClinVar variation 2872846 (VCV002872846.6), dbSNP rs1744988064, ClinGen allele CA1528408700.

ClinVar aggregate classification (germline): Pathogenic/Likely pathogenic. Review status: criteria provided, multiple submitters, no conflicts (2 of 4 stars). 3 submissions from 3 submitters: Pathogenic (2); Likely pathogenic (1). Last evaluated 2025-10-06.

Conditions:
Primary ciliary dyskinesia. Also called: Ciliary dyskinesia. Identifiers: Orphanet 244, MedGen C0008780, MONDO:0016575, HP:0012265.
DNAH5-related disorders.
DNAH5-related disorder. Also called: DNAH5-related condition.

Allele frequency attached by ClinVar (database versions not stated): TOPMed below 0.00001; gnomAD exomes below 0.00001.

Submissions (3):

PreventionGenetics, part of Exact Sciences
Classification: Pathogenic for DNAH5-related condition. Last evaluated: 2025-10-06. Review status: criteria provided, single submitter. Criteria: ACMG Guidelines, 2015. Collection method: clinical testing. Allele origin: germline.
Comment: The DNAH5 c.12220delT variant is predicted to result in a frameshift and premature protein termination (p.Ser4074Profs*39). To our knowledge, this variant has not been reported in the literature. This variant has not been reported in a large population database (gnomAD), indicating this variant is rare. Frameshift variants in DNAH5 are expected to be pathogenic. This variant is interpreted as pathogenic.

Labcorp Genetics (formerly Invitae), Labcorp
Classification: Pathogenic for Primary ciliary dyskinesia. Last evaluated: 2023-09-24. Review status: criteria provided, single submitter. Criteria: Invitae Variant Classification Sherloc (09022015). Collection method: clinical testing. Allele origin: germline.
Comment: For these reasons, this variant has been classified as Pathogenic. This variant has not been reported in the literature in individuals affected with DNAH5-related conditions. This variant is not present in population databases (gnomAD no frequency). This sequence change creates a premature translational stop signal (p.Ser4074Profs*39) in the DNAH5 gene. It is expected to result in an absent or disrupted protein product. Loss-of-function variants in DNAH5 are known to be pathogenic (PMID: 11788826, 16627867).

Blueprint Genetics
Classification: Likely pathogenic for DNAH5-related disorders. Last evaluated: 2022-12-30. Review status: criteria provided, single submitter. Criteria: ACMG Guidelines, 2015. Collection method: clinical testing. Allele origin: germline. Affected: yes. Observed: 1 variant allele.

Literature cited by the submitters: PubMed 11788826 (cited by Labcorp Genetics (formerly Invitae), Labcorp); PubMed 16627867 (cited by Labcorp Genetics (formerly Invitae), Labcorp).